The following is an entry in ClinVar:

NM_004655.4(AXIN2):c.1859G>A (p.Trp620Ter)

Gene: AXIN2 (axin 2; minus strand). Cytogenetic location: 17q24.1.
Variant type: single nucleotide variant.
Coding change: c.1859G>A on transcript NM_004655.4 (MANE Select); coding-DNA position 1859, G replaced by A.
Protein change: p.Trp620Ter; replaces tryptophan 620 with a stop codon.
Molecular consequence: nonsense. On other transcripts: intron variant (1).
Genome position (GRCh38, 1-based): chr17:65,536,917, C>T on the plus strand (G>A on the coding strand, the complement: AXIN2 is on the minus strand). VCF-style: chr17-65536917-C-T. GRCh37 (hg19) VCF-style: chr17-63533035-C-T.
Other names: c.1713-364G>A (NM_001363813.1); short protein forms W620*.
Identifiers: ClinVar variation 2125346 (VCV002125346.4), dbSNP rs1567754854, ClinGen allele CA400676478.

ClinVar aggregate classification (germline): Uncertain significance (1 of 4 stars; one submission).

Conditions:
Oligodontia-cancer predisposition syndrome. Also called: TOOTH AGENESIS-COLORECTAL CANCER SYNDROME. Identifiers: Orphanet 300576, MedGen C1837750, MONDO:0012075, OMIM 608615. Disease mechanism: loss of function.

Submission:

Labcorp Genetics (formerly Invitae), Labcorp
Classification: Uncertain significance for Oligodontia-cancer predisposition syndrome. Last evaluated: 2022-04-12. Review status: criteria provided, single submitter. Criteria: Invitae Variant Classification Sherloc (09022015). Collection method: clinical testing. Allele origin: germline.
Comment: In summary, the available evidence is currently insufficient to determine the role of this variant in disease. Therefore, it has been classified as a Variant of Uncertain Significance. This variant has not been reported in the literature in individuals affected with AXIN2-related conditions. This variant is not present in population databases (gnomAD no frequency). This sequence change creates a premature translational stop signal (p.Trp620*) in the AXIN2 gene. Loss-of-function variants in AXIN2 are known to be pathogenic (PMID: 21416598, 15042511). However, tissue-specific alternative splicing of AXIN2 gene results in functional isoform lacking in-frame exon 7 (also known as exon 6, PMID: 15735151). For this reason the clinical significance of loss of function variants in exon 7 is currently uncertain.

Literature cited by the submitters: PubMed 21416598; PubMed 15042511.